The following is an entry in ClinVar:

ClinVar aggregate classification (germline): Uncertain significance (1 of 4 stars; one submission).

Allele frequency attached by ClinVar (database versions not stated): gnomAD exomes below 0.00001.

Submission:

Labcorp Genetics (formerly Invitae), Labcorp
Classification: Uncertain significance. Last evaluated: 2022-06-27. Review status: criteria provided, single submitter. Criteria: Invitae Variant Classification Sherloc (09022015). Collection method: clinical testing. Allele origin: germline.
Comment: In summary, the available evidence is currently insufficient to determine the role of this variant in disease. Therefore, it has been classified as a Variant of Uncertain Significance. Algorithms developed to predict the effect of missense changes on protein structure and function are either unavailable or do not agree on the potential impact of this missense change (SIFT: "Deleterious"; PolyPhen-2: "Benign"; Align-GVGD: "Class C0"). This variant has not been reported in the literature in individuals affected with VCAN-related conditions. This variant is present in population databases (no rsID available, gnomAD 0.006%). This sequence change replaces proline, which is neutral and non-polar, with leucine, which is neutral and non-polar, at codon 3355 of the VCAN protein (p.Pro3355Leu).

NM_004385.5(VCAN):c.10064C>T (p.Pro3355Leu)

Gene: VCAN (versican; plus strand). Cytogenetic location: 5q14.3.
Variant type: single nucleotide variant.
Coding change: c.10064C>T on transcript NM_004385.5 (MANE Select); coding-DNA position 10064, C replaced by T.
Protein change: p.Pro3355Leu; replaces proline 3355 with leucine.
Molecular consequence: missense variant.
Genome position (GRCh38, 1-based): chr5:83,580,307, C>T. VCF-style: chr5-83580307-C-T. GRCh37 (hg19) VCF-style: chr5-82876126-C-T.
Other names: c.1841C>T, p.Pro614Leu (NM_001126336.3); c.7103C>T, p.Pro2368Leu (NM_001164097.2); c.4802C>T, p.Pro1601Leu (NM_001164098.2); short protein forms P1601L, P614L, P2368L, P3355L.
Identifiers: ClinVar variation 1350338 (VCV001350338.8), dbSNP rs1208321423, ClinGen allele CA360301637.